The following is an entry in ClinVar:

ClinVar aggregate classification (germline): Likely pathogenic (1 of 4 stars; one submission).

Conditions:
Congenital hyperammonemia, type I. Also called: Carbamoyl phosphate synthetase I deficiency disease; CPS I DEFICIENCY; Carbamoyl phosphate synthetase 1 deficiency; Hyperammonemia due to carbamoyl phosphate synthetase 1 deficiency; CPS 1 deficiency; Carbamyl phosphate synthetase (CPS) deficiency. Identifiers: Orphanet 147, MedGen C4082171, MONDO:0009376, OMIM 237300.

gnomAD v4.1: 1 of 1,613,970 alleles (0.000062%); highest among the groups gnomAD compares: Non-Finnish European, 0.000085%; no homozygotes.

Submission:

Labcorp Genetics (formerly Invitae), Labcorp
Classification: Likely pathogenic for Congenital hyperammonemia, type I. Last evaluated: 2023-09-15. Review status: criteria provided, single submitter. Criteria: Invitae Variant Classification Sherloc (09022015). Collection method: clinical testing. Allele origin: germline.
Comment: Advanced modeling of protein sequence and biophysical properties (such as structural, functional, and spatial information, amino acid conservation, physicochemical variation, residue mobility, and thermodynamic stability) performed at Invitae indicates that this missense variant is expected to disrupt CPS1 protein function. In summary, the currently available evidence indicates that the variant is pathogenic, but additional data are needed to prove that conclusively. Therefore, this variant has been classified as Likely Pathogenic. This variant disrupts the p.Arg1089 amino acid residue in CPS1. Other variant(s) that disrupt this residue have been determined to be pathogenic (PMID: 15876373, 16737834, 21120950, 33309754). This suggests that this residue is clinically significant, and that variants that disrupt this residue are likely to be disease-causing. This variant has not been reported in the literature in individuals affected with CPS1-related conditions. This variant is not present in population databases (gnomAD no frequency). This sequence change replaces arginine, which is basic and polar, with proline, which is neutral and non-polar, at codon 1089 of the CPS1 protein (p.Arg1089Pro).

Literature cited by the submitters: PubMed 15876373; PubMed 16737834; PubMed 21120950; PubMed 33309754.

NM_001875.5(CPS1):c.3266G>C (p.Arg1089Pro)

Gene: CPS1 (carbamoyl-phosphate synthase 1; plus strand). Cytogenetic location: 2q34.
Variant type: single nucleotide variant.
Coding change: c.3266G>C on transcript NM_001875.5 (MANE Select); coding-DNA position 3266, G replaced by C.
Protein change: p.Arg1089Pro; replaces arginine 1089 with proline.
Molecular consequence: missense variant. On other transcripts: non-coding transcript variant (2).
Genome position (GRCh38, 1-based): chr2:210,647,987, G>C. VCF-style: chr2-210647987-G-C. GRCh37 (hg19) VCF-style: chr2-211512711-G-C.
Other names: c.3266G>C, p.Arg1089Pro (NM_001122633.3, NM_001369257.1); c.3299G>C, p.Arg1100Pro (NM_001369256.1); short protein forms R1100P, R1089P.
Identifiers: ClinVar variation 2799853 (VCV002799853.3), dbSNP rs1280211937, ClinGen allele CA350436200.